The following is an entry in ClinVar:

ClinVar aggregate classification (germline): Uncertain significance (1 of 4 stars; one submission).

Submission:

GeneDx
Classification: Uncertain significance. Last evaluated: 2023-05-31. Review status: criteria provided, single submitter. Criteria: GeneDx Variant Classification Process June 2021. Collection method: clinical testing. Allele origin: germline. Affected: yes.
Comment: De novo variant with confirmed parentage in published literature; however, the reported clinical features are only partially consistent with the features typically observed in individuals with pathogenic variants in this gene (Aspromonte et al. 2019); Not observed at significant frequency in large population cohorts (gnomAD); In silico analysis supports that this missense variant has a deleterious effect on protein structure/function; This variant is associated with the following publications: (PMID: 31144778, 31209962)

NM_001367721.1(CASK):c.1159T>C (p.Tyr387His)

Gene: CASK (calcium/calmodulin dependent serine protein kinase; minus strand). Cytogenetic location: Xp11.4.
Variant type: single nucleotide variant.
Coding change: c.1159T>C on transcript NM_001367721.1 (MANE Select); coding-DNA position 1159, T replaced by C.
Protein change: p.Tyr387His; replaces tyrosine 387 with histidine.
Molecular consequence: missense variant.
Genome position (GRCh38, 1-based): chrX:41,589,589, A>G on the plus strand (T>C on the coding strand, the complement: CASK is on the minus strand). VCF-style: chrX-41589589-A-G. GRCh37 (hg19) VCF-style: chrX-41448842-A-G.
Other names: c.1159T>C, p.Tyr387His (NM_001126054.3, NM_003688.4); c.1141T>C, p.Tyr381His (NM_001126055.3, NM_001410745.1); short protein forms Y381H, Y387H.
Identifiers: ClinVar variation 2504566 (VCV002504566.1), dbSNP rs2519853678, ClinGen allele CA412999505.